The following is an entry in ClinVar:

NM_173354.5(SIK1):c.1478C>G (p.Pro493Arg)

Gene: SIK1 (salt inducible kinase 1; minus strand). Cytogenetic location: 21q22.3.
Variant type: single nucleotide variant.
Coding change: c.1478C>G on transcript NM_173354.5 (MANE Select); coding-DNA position 1478, C replaced by G.
Protein change: p.Pro493Arg; replaces proline 493 with arginine.
Molecular consequence: missense variant.
Genome position (GRCh38, 1-based): chr21:43,418,526, G>C on the plus strand (C>G on the coding strand, the complement: SIK1 is on the minus strand). VCF-style: chr21-43418526-G-C. GRCh37 (hg19) VCF-style: chr21-44838406-G-C.
Other names: c.1478C>G (NM_173354.3); short protein forms P493R.
Identifiers: ClinVar variation 3021045 (VCV003021045.4), dbSNP rs747938877, ClinGen allele CA321325520.
Genomic context (GRCh38, chr21:43,418,526, plus strand): 5'-GCAGAGAAGGTCAGACAACTGTCAGAGCTGGTTCCCTCTGCAGGACTTGCCGTGGTGGAG[G>C]GGGAGACGACTATACCTGTGGGGGGAGGACAGCGCTTTTGATGCTGCAGTGCAAAGGAAT-3'
Protein context (NP_775490.2, residues 483-503): PLTAPCIVVS[Pro493Arg]STTASPAEGT

ClinVar aggregate classification (germline): Uncertain significance. Review status: criteria provided, multiple submitters, no conflicts (2 of 4 stars). 2 submissions from 2 submitters: Uncertain significance (2). Last evaluated 2025-11-21.

Conditions:
Developmental and epileptic encephalopathy, 30 (DEE30). Also called: Epileptic encephalopathy, early infantile, 30. Identifiers: MedGen C4225360, MONDO:0014595, OMIM 616341.
Inborn genetic diseases. Identifiers: MedGen C0950123, MeSH D030342.

Submissions (2):

Ambry Genetics
Classification: Uncertain significance for Inborn genetic diseases. Last evaluated: 2025-11-21. Review status: criteria provided, single submitter. Criteria: Ambry Variant Classification Scheme 2023. Collection method: clinical testing. Allele origin: germline.

Labcorp Genetics (formerly Invitae), Labcorp
Classification: Uncertain significance for Developmental and epileptic encephalopathy, 30. Last evaluated: 2023-04-06. Review status: criteria provided, single submitter. Criteria: Invitae Variant Classification Sherloc (09022015). Collection method: clinical testing. Allele origin: germline.
Comment: In summary, the available evidence is currently insufficient to determine the role of this variant in disease. Therefore, it has been classified as a Variant of Uncertain Significance. Advanced modeling of protein sequence and biophysical properties (such as structural, functional, and spatial information, amino acid conservation, physicochemical variation, residue mobility, and thermodynamic stability) performed at Invitae indicates that this missense variant is not expected to disrupt SIK1 protein function. This variant has not been reported in the literature in individuals affected with SIK1-related conditions. This variant is present in population databases (rs747938877, gnomAD 0.007%). This sequence change replaces proline, which is neutral and non-polar, with arginine, which is basic and polar, at codon 493 of the SIK1 protein (p.Pro493Arg).